The following is an entry in ClinVar:

NM_004380.3(CREBBP):c.5248G>A (p.Asp1750Asn)

Gene: CREBBP (CREB binding lysine acetyltransferase; minus strand). Cytogenetic location: 16p13.3.
Variant type: single nucleotide variant.
Coding change: c.5248G>A on transcript NM_004380.3 (MANE Select); coding-DNA position 5248, G replaced by A.
Protein change: p.Asp1750Asn; replaces aspartic acid 1750 with asparagine.
Molecular consequence: missense variant.
Genome position (GRCh38, 1-based): chr16:3,729,799, C>T on the plus strand (G>A on the coding strand, the complement: CREBBP is on the minus strand). VCF-style: chr16-3729799-C-T. GRCh37 (hg19) VCF-style: chr16-3779800-C-T.
Other names: c.5134G>A, p.Asp1712Asn (NM_001079846.1); short protein forms D1712N, D1750N.
Identifiers: ClinVar variation 3373670 (VCV003373670.2).

ClinVar aggregate classification (germline): Uncertain significance (1 of 4 stars; one submission).

Submission:

GeneDx
Classification: Uncertain significance. Last evaluated: 2025-09-26. Review status: criteria provided, single submitter. Criteria: GeneDx Variant Classification Process June 2021. Collection method: clinical testing. Allele origin: germline. Affected: yes.
Comment: Not observed at significant frequency in large population cohorts (gnomAD); In silico analysis supports that this missense variant has a deleterious effect on protein structure/function; Has not been previously published as pathogenic or benign to our knowledge; This variant is associated with the following publications: (PMID: 27311832)